The following is an entry in ClinVar:

NM_014444.5(TUBGCP4):c.621G>C (p.Gln207His)

Gene: TUBGCP4 (tubulin gamma complex component 4; plus strand). Cytogenetic location: 15q15.3.
Variant type: single nucleotide variant.
Coding change: c.621G>C on transcript NM_014444.5 (MANE Select); coding-DNA position 621, G replaced by C.
Protein change: p.Gln207His; replaces glutamine 207 with histidine.
Molecular consequence: missense variant.
Genome position (GRCh38, 1-based): chr15:43,383,402, G>C. VCF-style: chr15-43383402-G-C. GRCh37 (hg19) VCF-style: chr15-43675600-G-C.
Other names: c.621G>C, p.Gln207His (NM_001286414.3); short protein forms Q207H.
Identifiers: ClinVar variation 2095610 (VCV002095610.4), dbSNP rs2543006586, ClinGen allele CA392120066.

ClinVar aggregate classification (germline): Uncertain significance (1 of 4 stars; one submission).

Submission:

Labcorp Genetics (formerly Invitae), Labcorp
Classification: Uncertain significance. Last evaluated: 2022-02-20. Review status: criteria provided, single submitter. Criteria: Invitae Variant Classification Sherloc (09022015). Collection method: clinical testing. Allele origin: germline.
Comment: In summary, the available evidence is currently insufficient to determine the role of this variant in disease. Therefore, it has been classified as a Variant of Uncertain Significance. Algorithms developed to predict the effect of sequence changes on RNA splicing suggest that this variant may disrupt the consensus splice site. Algorithms developed to predict the effect of missense changes on protein structure and function (SIFT, PolyPhen-2, Align-GVGD) all suggest that this variant is likely to be tolerated. This variant has not been reported in the literature in individuals affected with TUBGCP4-related conditions. This variant is not present in population databases (gnomAD no frequency). This sequence change replaces glutamine, which is neutral and polar, with histidine, which is basic and polar, at codon 207 of the TUBGCP4 protein (p.Gln207His).